The following is an entry in ClinVar:

NM_005148.4(UNC119):c.281G>A (p.Arg94Gln)

Gene: UNC119 (unc-119 lipid binding chaperone; minus strand). Cytogenetic location: 17q11.2.
Variant type: single nucleotide variant.
Coding change: c.281G>A on transcript NM_005148.4 (MANE Select); coding-DNA position 281, G replaced by A.
Protein change: p.Arg94Gln; replaces arginine 94 with glutamine.
Molecular consequence: missense variant. On other transcripts: 5 prime UTR variant (1).
Genome position (GRCh38, 1-based): chr17:28,548,645, C>T on the plus strand (G>A on the coding strand, the complement: UNC119 is on the minus strand). VCF-style: chr17-28548645-C-T. GRCh37 (hg19) VCF-style: chr17-26875663-C-T.
Other names: c.-5G>A (NM_001330166.2); c.281G>A, p.Arg94Gln (NM_054035.2); short protein forms R94Q.
Identifiers: ClinVar variation 892399 (VCV000892399.13), dbSNP rs763481567, ClinGen allele CA8459862.

ClinVar aggregate classification (germline): Conflicting classifications of pathogenicity. Review status: criteria provided, conflicting classifications (1 of 4 stars). 4 submissions from 4 submitters: Uncertain significance (2); Benign (1). 1 of the submissions does not count toward it. Last evaluated 2025-07-16.

Conditions:
UNC119-related disorder. Also called: UNC119-related condition.
Cone-rod dystrophy. Also called: Cone-rod degeneration; Cone/cone-rod dystrophy. Identifiers: Orphanet 1872, MedGen C4085590, MONDO:0015993, HP:0000548.

Allele frequency attached by ClinVar (database versions not stated): ExAC 0.00003; gnomAD 0.00003; gnomAD exomes 0.00003 and 0.00011; TOPMed 0.00006.

Submissions (4):

Ambry Genetics
Classification: Uncertain significance. Last evaluated: 2025-07-16. Review status: criteria provided, single submitter. Criteria: Ambry Variant Classification Scheme 2023. Collection method: clinical testing. Allele origin: germline.

Labcorp Genetics (formerly Invitae), Labcorp
Classification: Uncertain significance. Last evaluated: 2025-03-23. Review status: criteria provided, single submitter. Criteria: Invitae Variant Classification Sherloc (09022015). Collection method: clinical testing. Allele origin: germline.
Comment: This sequence change replaces arginine, which is basic and polar, with glutamine, which is neutral and polar, at codon 94 of the UNC119 protein (p.Arg94Gln). This variant is present in population databases (rs763481567, gnomAD 0.07%), and has an allele count higher than expected for a pathogenic variant. This variant has not been reported in the literature in individuals affected with UNC119-related conditions. ClinVar contains an entry for this variant (Variation ID: 892399). An algorithm developed to predict the effect of missense changes on protein structure and function (PolyPhen-2) suggests that this variant is likely to be disruptive. In summary, the available evidence is currently insufficient to determine the role of this variant in disease. Therefore, it has been classified as a Variant of Uncertain Significance.

Illumina Laboratory Services, Illumina
Classification: Benign for Cone-rod dystrophy. Last evaluated: 2017-10-26. Review status: criteria provided, single submitter. Criteria: ICSL Variant Classification Criteria 13 December 2019. Collection method: clinical testing. Allele origin: germline.
Comment: This variant was observed as part of a predisposition screen in an ostensibly healthy population. A literature search was performed for the gene, cDNA change, and amino acid change (where applicable). No publications were found based on this search. Allele frequency data from public databases was too high to be consistent with this variant causing disease. Therefore, this variant is classified as benign.

PreventionGenetics, part of Exact Sciences
Classification: Likely benign for UNC119-related condition. Last evaluated: 2024-04-17. Review status: no assertion criteria provided. Collection method: clinical testing. Allele origin: germline. Not counted in ClinVar's aggregate classification.
Comment: This variant is classified as likely benign based on ACMG/AMP sequence variant interpretation guidelines (Richards et al. 2015 PMID: 25741868, with internal and published modifications).